The following is an entry in ClinVar:

ClinVar aggregate classification (germline): Pathogenic (1 of 4 stars; one submission).

Conditions:
USH2A-related disorder. Also called: USH2A-related condition; USH2A-related disorders. Identifiers: MedGen CN239332.

Submission:

Myriad Genetics, Inc.
Classification: Pathogenic for USH2A-related disorder. Last evaluated: 2023-08-22. Review status: criteria provided, single submitter. Criteria: Myriad Autosomal Dominant, Autosomal Recessive and X-Linked Classification Criteria (2023). Collection method: clinical testing. Allele origin: unknown.
Comment: NM_206933.2(USH2A):c.585_597del13ins3(Q195Hfs*3) is expected to be pathogenic in the context of USH2A-related disorders. This variant is predicted to lead to an abnormal or absent protein product due to the creation of a premature termination codon in USH2A, a gene where loss-of-function variants are known to be pathogenic. Please note: this variant was assessed in the context of healthy population screening.

NM_206933.4(USH2A):c.585_597delinsTCT (p.Gln195fs)

Gene: USH2A (usherin; minus strand). Cytogenetic location: 1q41.
Variant type: Indel.
Coding change: c.585_597delinsTCT on transcript NM_206933.4 (MANE Select); coding-DNA positions 585 to 597, ACCTCCAATAAAA replaced by TCT.
Protein change: p.Gln195fs; shifts the reading frame from glutamine 195.
Molecular consequence: frameshift variant.
Genome position (GRCh38, 1-based): chr1:216,418,568-216,418,580, TTTTATTGGAGGT replaced by AGA on the plus strand (ACCTCCAATAAAA replaced by TCT on the coding strand, the reverse complement: USH2A is on the minus strand). VCF-style: chr1-216418568-TTTTATTGGAGGT-AGA. GRCh37 (hg19) VCF-style: chr1-216591910-TTTTATTGGAGGT-AGA.
Other names: c.585_597delinsTCT, p.Gln195fs (NM_007123.6); short protein forms Q195fs.
Identifiers: ClinVar variation 5011445 (VCV005011445.1).
Genomic context (GRCh38, chr1:216,418,568, plus strand): 5'-ACTCACCTGCACACTAAGATGAATCCATTTCTTCACAAGAATTCTCCCCAGTGTCATTAC[TTTTATTGGAGGT>AGA]TGCAAACCATTTACTGTGCGATAATAAAACATGGTCTCTTTCTCAGATATTGTAAGTTTG-3'